The following is an entry in ClinVar:

ClinVar aggregate classification (germline): Likely pathogenic (1 of 4 stars; one submission).

Conditions:
Hereditary cancer-predisposing syndrome. Also called: Hereditary Cancer Syndrome; Neoplastic Syndromes, Hereditary; Tumor predisposition; Hereditary neoplastic syndrome. Identifiers: Orphanet 140162, MedGen C0027672, MeSH D009386, MONDO:0015356.

Submission:

Ambry Genetics
Classification: Likely pathogenic for Hereditary cancer-predisposing syndrome. Last evaluated: 2021-03-03. Review status: criteria provided, single submitter. Criteria: Ambry Variant Classification Scheme 2023. Collection method: clinical testing. Allele origin: germline.
Comment: The p.L177R variant (also known as c.530T>G), located in coding exon 2 of the MEN1 gene, results from a T to G substitution at nucleotide position 530. The leucine at codon 177 is replaced by arginine, an amino acid with dissimilar properties. This alteration has been observed in at least one individual with a personal and/or family history that is consistent with MEN1 related disease (Ambry internal data). This variant was not reported in population-based cohorts in the Genome Aggregation Database (gnomAD). This amino acid position is highly conserved in available vertebrate species. In addition, this alteration is predicted to be deleterious by in silico analysis. Based on internal structural analysis, this variant is anticipated to result in a decrease in structural stability (Ambry internal data; Pollock J et al. J Med Chem, 2015 Sep;58:7465-74; Xu S et al. Angew Chem Int Ed Engl, 2018 02;57:1601-1605). Based on the majority of available evidence to date, this variant is likely to be pathogenic.

Literature cited by the submitters: PubMed 26288158; PubMed 29284071.

NM_001370259.2(MEN1):c.530T>G (p.Leu177Arg)

Gene: MEN1 (menin 1; minus strand). Cytogenetic location: 11q13.1.
Variant type: single nucleotide variant.
Coding change: c.530T>G on transcript NM_001370259.2 (MANE Select); coding-DNA position 530, T replaced by G.
Protein change: p.Leu177Arg; replaces leucine 177 with arginine.
Molecular consequence: missense variant.
Genome position (GRCh38, 1-based): chr11:64,808,015, A>C on the plus strand (T>G on the coding strand, the complement: MEN1 is on the minus strand). VCF-style: chr11-64808015-A-C. GRCh37 (hg19) VCF-style: chr11-64575487-A-C.
Other names: c.545T>G, p.Leu182Arg (NM_000244.4, NM_001407145.1, NM_001407150.1 and 5 more transcripts); c.530T>G, p.Leu177Arg (NM_001370251.2, NM_001370260.2, NM_001370261.2 and 12 more transcripts); short protein forms L177R, L182R.
Identifiers: ClinVar variation 1746762 (VCV001746762.2), dbSNP rs2136154828, ClinGen allele CA381185920.
Genomic context (GRCh38, chr11:64,808,015, plus strand): 5'-GTGACCTCAGCTGTCTGCTCCCCATTGGGCCCAAACACTACCCAGGCATGATCCTCAGAC[A>C]GGGCGAGGTGGACATCCCGGAGACCCAGGGCCTGGCAGGCCCCAACCACAGCAAAGGCCA-3'
Protein context (NP_001357188.2, residues 167-187): ALGLRDVHLA[Leu177Arg]SEDHAWVVFG